The following is an entry in ClinVar:

ClinVar aggregate classification (germline): Uncertain significance (1 of 4 stars; one submission).

Conditions:
Cone-rod dystrophy 13 (CORD13). Identifiers: Orphanet 1872, MedGen C2750720, MONDO:0011987, OMIM 608194.
Leber congenital amaurosis 6 (LCA6). Identifiers: Orphanet 65, MedGen C1854260, MONDO:0013446, OMIM 613826.

Allele frequency attached by ClinVar (database versions not stated): ExAC 0.00001; gnomAD exomes 0.00001.
gnomAD v4.1: 9 of 1,612,898 alleles (0.00056%); highest among the groups gnomAD compares: South Asian, 0.0099%; no homozygotes.

Submission:

Labcorp Genetics (formerly Invitae), Labcorp
Classification: Uncertain significance for Leber congenital amaurosis 6; Cone-rod dystrophy 13. Last evaluated: 2023-08-30. Review status: criteria provided, single submitter. Criteria: Invitae Variant Classification Sherloc (09022015). Collection method: clinical testing. Allele origin: germline.
Comment: This sequence change replaces lysine, which is basic and polar, with arginine, which is basic and polar, at codon 1264 of the RPGRIP1 protein (p.Lys1264Arg). This variant is present in population databases (rs753788745, gnomAD 0.01%). This variant has not been reported in the literature in individuals affected with RPGRIP1-related conditions. ClinVar contains an entry for this variant (Variation ID: 1514795). Advanced modeling of protein sequence and biophysical properties (such as structural, functional, and spatial information, amino acid conservation, physicochemical variation, residue mobility, and thermodynamic stability) has been performed at Invitae for this missense variant, however the output from this modeling did not meet the statistical confidence thresholds required to predict the impact of this variant on RPGRIP1 protein function. In summary, the available evidence is currently insufficient to determine the role of this variant in disease. Therefore, it has been classified as a Variant of Uncertain Significance.

NM_020366.4(RPGRIP1):c.3791A>G (p.Lys1264Arg)

Gene: RPGRIP1 (RPGR interacting protein 1; plus strand). Cytogenetic location: 14q11.2.
Variant type: single nucleotide variant.
Coding change: c.3791A>G on transcript NM_020366.4 (MANE Select); coding-DNA position 3791, A replaced by G.
Protein change: p.Lys1264Arg; replaces lysine 1264 with arginine.
Molecular consequence: missense variant.
Genome position (GRCh38, 1-based): chr14:21,351,146, A>G. VCF-style: chr14-21351146-A-G. GRCh37 (hg19) VCF-style: chr14-21819305-A-G.
Other names: c.1769A>G, p.Lys590Arg (NM_001377523.1, NM_001377950.1); c.2717A>G, p.Lys906Arg (NM_001377948.1); c.1877A>G, p.Lys626Arg (NM_001377949.1); c.1274A>G, p.Lys425Arg (NM_001377951.1); short protein forms K425R, K590R, K1264R, K626R, K906R.
Identifiers: ClinVar variation 1514795 (VCV001514795.8), dbSNP rs753788745, ClinGen allele CA7089619.